The following is an entry in ClinVar:

ClinVar aggregate classification (germline): Uncertain significance (1 of 4 stars; one submission).

Conditions:
Lymphoproliferative syndrome 2 (LPFS2). Also called: Combined immunodeficiency due to CD27 deficiency; CD27 DEFICIENCY. Identifiers: Orphanet 238505, MedGen C3554540, MONDO:0014054, OMIM 615122.

gnomAD v4.1: 4 of 1,613,440 alleles (0.00025%); highest among the groups gnomAD compares: Non-Finnish European, 0.00034%; no homozygotes.

Submission:

Labcorp Genetics (formerly Invitae), Labcorp
Classification: Uncertain significance for Lymphoproliferative syndrome 2. Last evaluated: 2022-03-19. Review status: criteria provided, single submitter. Criteria: Invitae Variant Classification Sherloc (09022015). Collection method: clinical testing. Allele origin: germline.
Comment: This sequence change replaces arginine, which is basic and polar, with threonine, which is neutral and polar, at codon 238 of the CD27 protein (p.Arg238Thr). This variant is not present in population databases (gnomAD no frequency). This variant has not been reported in the literature in individuals affected with CD27-related conditions. Algorithms developed to predict the effect of missense changes on protein structure and function are either unavailable or do not agree on the potential impact of this missense change (SIFT: "Deleterious"; PolyPhen-2: "Possibly Damaging"; Align-GVGD: "Class C0"). In summary, the available evidence is currently insufficient to determine the role of this variant in disease. Therefore, it has been classified as a Variant of Uncertain Significance.

NM_001242.5(CD27):c.713G>C (p.Arg238Thr)

Genes: CD27 (CD27 molecule; plus strand), CD27-AS1 (CD27 antisense RNA 1; minus strand). Cytogenetic location: 12p13.31.
Variant type: single nucleotide variant.
Coding change: c.713G>C on transcript NM_001242.5 (MANE Select); coding-DNA position 713, G replaced by C.
Protein change: p.Arg238Thr; replaces arginine 238 with threonine.
Molecular consequence: missense variant. On other transcripts: non-coding transcript variant (1).
Genome position (GRCh38, 1-based): chr12:6,451,322, G>C. VCF-style: chr12-6451322-G-C. GRCh37 (hg19) VCF-style: chr12-6560488-G-C.
Other names: c.806G>C, p.Arg269Thr (NM_001413263.1); c.686G>C, p.Arg229Thr (NM_001413264.1); c.533G>C, p.Arg178Thr (NM_001413265.1); c.263G>C, p.Arg88Thr (NM_001413266.1, NM_001413267.1, NM_001413268.1); short protein forms R178T, R88T, R229T, R269T, R238T.
Identifiers: ClinVar variation 2114175 (VCV002114175.4), dbSNP rs75524088, ClinGen allele CA383551554.